The following is an entry in ClinVar:

NM_020433.5(JPH2):c.457G>A (p.Val153Met)

Gene: JPH2 (junctophilin 2; minus strand). Cytogenetic location: 20q13.12.
Variant type: single nucleotide variant.
Coding change: c.457G>A on transcript NM_020433.5 (MANE Select); coding-DNA position 457, G replaced by A.
Protein change: p.Val153Met; replaces valine 153 with methionine.
Molecular consequence: missense variant.
Genome position (GRCh38, 1-based): chr20:44,160,330, C>T on the plus strand (G>A on the coding strand, the complement: JPH2 is on the minus strand). VCF-style: chr20-44160330-C-T. GRCh37 (hg19) VCF-style: chr20-42788970-C-T.
Other names: c.457G>A (NM_020433.4); short protein forms V153M.
Identifiers: ClinVar variation 1489011 (VCV001489011.9), dbSNP rs747722861, ClinGen allele CA9868837.
Genomic context (GRCh38, chr20:44,160,330, plus strand): 5'-CGTTGCTGTGCTCGCTGCGCAGGGACGACAGCGACGTGCGCAGCGGCGAGCGCACCACCA[C>T]GGCCATCCCGTAGGGCACGCTCTGGCGTACTCCGTAGCCATGGCGCATGCCGTTGGTGAA-3'
Protein context (NP_065166.2, residues 143-163): VRQSVPYGMA[Val153Met]VVRSPLRTSL

ClinVar aggregate classification (germline): Uncertain significance. Review status: criteria provided, multiple submitters, no conflicts (2 of 4 stars). 2 submissions from 2 submitters: Uncertain significance (2). Last evaluated 2023-06-09.

Conditions:
Cardiovascular phenotype. Identifiers: MedGen CN230736.
Hypertrophic cardiomyopathy. Also called: HYPERTROPHIC MYOCARDIOPATHY. Identifiers: Orphanet 217569, MedGen C0007194, MeSH D002312, MONDO:0005045, HP:0001639.

Allele frequency attached by ClinVar (database versions not stated): gnomAD exomes 0.00001 and 0.00003; ExAC 0.00014.

Submissions (2):

Ambry Genetics
Classification: Uncertain significance for Cardiovascular phenotype. Last evaluated: 2023-06-09. Review status: criteria provided, single submitter. Criteria: Ambry Variant Classification Scheme 2023. Collection method: clinical testing. Allele origin: germline.
Comment: The p.V153M variant (also known as c.457G>A), located in coding exon 2 of the JPH2 gene, results from a G to A substitution at nucleotide position 457. The valine at codon 153 is replaced by methionine, an amino acid with highly similar properties. This amino acid position is conserved. In addition, this alteration is predicted to be tolerated by in silico analysis. Since supporting evidence is limited at this time, the clinical significance of this alteration remains unclear.

Labcorp Genetics (formerly Invitae), Labcorp
Classification: Uncertain significance for Hypertrophic cardiomyopathy. Last evaluated: 2021-07-16. Review status: criteria provided, single submitter. Criteria: Invitae Variant Classification Sherloc (09022015). Collection method: clinical testing. Allele origin: germline.
Comment: This sequence change replaces valine with methionine at codon 153 of the JPH2 protein (p.Val153Met). The valine residue is weakly conserved and there is a small physicochemical difference between valine and methionine. This variant is present in population databases (rs747722861, ExAC 0.04%). This variant has not been reported in the literature in individuals affected with JPH2-related conditions. Algorithms developed to predict the effect of missense changes on protein structure and function are either unavailable or do not agree on the potential impact of this missense change (SIFT: "Deleterious"; PolyPhen-2: "Possibly Damaging"; Align-GVGD: "Class C0"). In summary, the available evidence is currently insufficient to determine the role of this variant in disease. Therefore, it has been classified as a Variant of Uncertain Significance.